The following is an entry in ClinVar:

NM_021615.5(CHST6):c.*2288T>G

Gene: CHST6 (carbohydrate sulfotransferase 6; minus strand). Cytogenetic location: 16q23.1.
Variant type: single nucleotide variant.
Coding change: c.*2288T>G on transcript NM_021615.5 (MANE Select); 2288 bases downstream of the stop codon, T replaced by G.
Molecular consequence: 3 prime UTR variant.
Genome position (GRCh38, 1-based): chr16:75,476,353, A>C on the plus strand (T>G on the coding strand, the complement: CHST6 is on the minus strand). VCF-style: chr16-75476353-A-C. GRCh37 (hg19) VCF-style: chr16-75510251-A-C.
Identifiers: ClinVar variation 320553 (VCV000320553.6), dbSNP rs147960476, ClinGen allele CA10648962.
Genomic context (GRCh38, chr16:75,476,353, plus strand): 5'-TGTAATCTCAGCACTTTGGGAGGCTGAGGTGGGCAGATCACTTGAGGTCAGGAGTTTGAG[A>C]CCAACCTGGCCAATATGGTGAAACCCAGTGTCTACAAAAATACAAAAATTAGCTGGGCAT-3'

ClinVar aggregate classification (germline): Benign. Review status: criteria provided, multiple submitters, no conflicts (2 of 4 stars). 2 submissions from 2 submitters: Benign (2). Last evaluated 2018-01-12.

Conditions:
Macular corneal dystrophy (MCD). Also called: GROENOUW TYPE II CORNEAL DYSTROPHY; Macular corneal dystrophy Type I. Identifiers: Orphanet 98969, MedGen C1636149, MONDO:0009020, OMIM 217800.

Allele frequency attached by ClinVar (database versions not stated): gnomAD 0.02744 and 0.02929; 1000 Genomes Project 0.02995; 1000 Genomes Project 30x 0.03154; TOPMed 0.03167.

Submissions (2):

Illumina Laboratory Services, Illumina
Classification: Benign for Macular corneal dystrophy. Last evaluated: 2018-01-12. Review status: criteria provided, single submitter. Criteria: ICSL Variant Classification Criteria 13 December 2019. Collection method: clinical testing. Allele origin: germline.
Comment: This variant was observed in the ICSL laboratory as part of a predisposition screen in an ostensibly healthy population. It had not been previously curated by ICSL or reported in the Human Gene Mutation Database (HGMD: prior to June 1st, 2018), and was therefore a candidate for classification through an automated scoring system. Utilizing variant allele frequency, disease prevalence and penetrance estimates, and inheritance mode, an automated score was calculated to assess if this variant is too frequent to cause the disease. Based on the score and internal cut-off values, a variant classified as benign is not then subjected to further curation. The score for this variant resulted in a classification of benign for this disease.

Breakthrough Genomics
Classification: Benign. Review status: criteria provided, single submitter. Criteria: ACMG Guidelines, 2015. Collection method: not provided. Allele origin: germline. Inheritance: Autosomal recessive inheritance. Affected: yes.